The following is an entry in ClinVar:

NM_001005373.4(LRSAM1):c.1262T>A (p.Met421Lys)

Gene: LRSAM1 (leucine rich repeat and sterile alpha motif containing 1; plus strand). Cytogenetic location: 9q33.3.
Variant type: single nucleotide variant.
Coding change: c.1262T>A on transcript NM_001005373.4 (MANE Select); coding-DNA position 1262, T replaced by A.
Protein change: p.Met421Lys; replaces methionine 421 with lysine.
Molecular consequence: missense variant. On other transcripts: non-coding transcript variant (2).
Genome position (GRCh38, 1-based): chr9:127,487,678, T>A. VCF-style: chr9-127487678-T-A. GRCh37 (hg19) VCF-style: chr9-130249957-T-A.
Other names: c.1262T>A, p.Met421Lys (NM_001005374.4, NM_001190723.3, NM_001384142.1 and 2 more transcripts); c.473T>A, p.Met158Lys (NM_001384144.1); short protein forms M158K, M421K.
Identifiers: ClinVar variation 2575876 (VCV002575876.1), dbSNP rs1320533559, ClinGen allele CA374932618.
Genomic context (GRCh38, chr9:127,487,678, plus strand): 5'-CATAGTAGGTGCTCGGGAAACGTTCCAAGAATGAATGAATTTGCTGTCTTTCTGGCAGCA[T>A]GGCCGAAATGGATGAACGATTCCAGCAGATTCTGTCGTGGCAGCAAATGGATCAGAACAA-3'
Protein context (NP_001005373.1, residues 411-431): QNLVQQACSS[Met421Lys]AEMDERFQQI

ClinVar aggregate classification (germline): Uncertain significance (1 of 4 stars; one submission).

Allele frequency attached by ClinVar (database versions not stated): TOPMed below 0.00001; gnomAD 0.00001.
gnomAD v4.1: 2 of 1,613,324 alleles (0.00012%); highest among the groups gnomAD compares: Non-Finnish European, 0.00017%; no homozygotes.

Submission:

GeneDx
Classification: Uncertain significance. Last evaluated: 2023-02-14. Review status: criteria provided, single submitter. Criteria: GeneDx Variant Classification Process June 2021. Collection method: clinical testing. Allele origin: germline. Affected: yes.
Comment: Not observed at significant frequency in large population cohorts (gnomAD); In silico analysis supports a deleterious effect on splicing; However, in silico analysis supports that this missense variant does not alter protein structure/function; Has not been previously published as pathogenic or benign to our knowledge